The following is an entry in ClinVar:

ClinVar aggregate classification (germline): Uncertain significance (0 of 4 stars; one submission).

Conditions:
DLC1-related disorder. Also called: DLC1-related condition.

gnomAD v4.1: 1 of 1,613,890 alleles (0.000062%); highest among the groups gnomAD compares: African/African-American, 0.0013%; no homozygotes.

Submission:

PreventionGenetics, part of Exact Sciences
Classification: Uncertain significance for DLC1-related condition. Last evaluated: 2024-05-03. Review status: no assertion criteria provided. Collection method: clinical testing. Allele origin: germline.
Comment: The DLC1 c.259G>T variant is predicted to result in premature protein termination (p.Glu87*). To our knowledge, this variant has not been reported in the literature. This variant is reported in 0.011% of alleles in individuals of African descent in gnomAD. Since the relationship between this gene and disease is inconclusive, at this time, the clinical significance of this variant is uncertain due to the absence of conclusive functional and genetic evidence.

NM_182643.3(DLC1):c.259G>T (p.Glu87Ter)

Gene: DLC1 (DLC1 Rho GTPase activating protein; minus strand). Cytogenetic location: 8p22.
Variant type: single nucleotide variant.
Coding change: c.259G>T on transcript NM_182643.3 (MANE Select); coding-DNA position 259, G replaced by T.
Protein change: p.Glu87Ter; replaces glutamic acid 87 with a stop codon.
Molecular consequence: nonsense. On other transcripts: 5 prime UTR variant (1).
Genome position (GRCh38, 1-based): chr8:13,499,813, C>A on the plus strand (G>T on the coding strand, the complement: DLC1 is on the minus strand). VCF-style: chr8-13499813-C-A. GRCh37 (hg19) VCF-style: chr8-13357322-C-A.
Other names: c.259G>T, p.Glu87Ter (NM_001348081.2, NM_001413124.1, NM_001413125.1 and 1 more transcripts); c.-1193G>T (NM_001348082.2); short protein forms E87*.
Identifiers: ClinVar variation 3344210 (VCV003344210.1).